The following is an entry in ClinVar:

NM_004656.4(BAP1):c.565T>C (p.Tyr189His)

Gene: BAP1 (BRCA1 associated deubiquitinase 1; minus strand). Cytogenetic location: 3p21.1.
Variant type: single nucleotide variant.
Coding change: c.565T>C on transcript NM_004656.4 (MANE Select); coding-DNA position 565, T replaced by C.
Protein change: p.Tyr189His; replaces tyrosine 189 with histidine.
Molecular consequence: missense variant.
Genome position (GRCh38, 1-based): chr3:52,407,189, A>G on the plus strand (T>C on the coding strand, the complement: BAP1 is on the minus strand). VCF-style: chr3-52407189-A-G. GRCh37 (hg19) VCF-style: chr3-52441205-A-G.
Other names: c.565T>C (NM_004656.2); short protein forms Y189H.
Identifiers: ClinVar variation 1403247 (VCV001403247.9), dbSNP rs1409400821, ClinGen allele CA353109542.

ClinVar aggregate classification (germline): Uncertain significance. Review status: criteria provided, multiple submitters, no conflicts (2 of 4 stars). 2 submissions from 2 submitters: Uncertain significance (2). Last evaluated 2025-08-31.

Conditions:
BAP1-related tumor predisposition syndrome (TPDS1). Also called: COMMON Syndrome; TUMOR PREDISPOSITION SYNDROME 1; Tumor susceptibility linked to germline BAP1 mutations; BAP1 tumor predisposition syndrome. Identifiers: Orphanet 289539, MedGen C3280492, MONDO:0013692, OMIM 614327.
Hereditary cancer-predisposing syndrome. Also called: Hereditary neoplastic syndrome; Hereditary Cancer Syndrome; Neoplastic Syndromes, Hereditary; Tumor predisposition. Identifiers: Orphanet 140162, MedGen C0027672, MeSH D009386, MONDO:0015356.

Allele frequency attached by ClinVar (database versions not stated): gnomAD exomes below 0.00001; TOPMed 0.00001.

Submissions (2):

Ambry Genetics
Classification: Uncertain significance for Hereditary cancer-predisposing syndrome. Last evaluated: 2025-08-31. Review status: criteria provided, single submitter. Criteria: Ambry Variant Classification Scheme 2023. Collection method: clinical testing. Allele origin: germline.
Comment: The p.Y189H variant (also known as c.565T>C), located in coding exon 7 of the BAP1 gene, results from a T to C substitution at nucleotide position 565. The tyrosine at codon 189 is replaced by histidine, an amino acid with similar properties. This amino acid position is conserved. In addition, the in silico prediction for this alteration is inconclusive. Based on the available evidence, the clinical significance of this variant remains unclear.

Labcorp Genetics (formerly Invitae), Labcorp
Classification: Uncertain significance for BAP1-related tumor predisposition syndrome. Last evaluated: 2025-08-17. Review status: criteria provided, single submitter. Criteria: Invitae Variant Classification Sherloc (09022015). Collection method: clinical testing. Allele origin: germline.
Comment: This sequence change replaces tyrosine, which is neutral and polar, with histidine, which is basic and polar, at codon 189 of the BAP1 protein (p.Tyr189His). The frequency data for this variant in the population databases is considered unreliable, as metrics indicate poor data quality at this position in the gnomAD database. This variant has not been reported in the literature in individuals affected with BAP1-related conditions. ClinVar contains an entry for this variant (Variation ID: 1403247). Invitae Evidence Modeling of protein sequence and biophysical properties (such as structural, functional, and spatial information, amino acid conservation, physicochemical variation, residue mobility, and thermodynamic stability) indicates that this missense variant is not expected to disrupt BAP1 protein function with a negative predictive value of 80%. In summary, the available evidence is currently insufficient to determine the role of this variant in disease. Therefore, it has been classified as a Variant of Uncertain Significance.